The following is an entry in ClinVar:

ClinVar aggregate classification (germline): Likely benign. Review status: criteria provided, multiple submitters, no conflicts (2 of 4 stars). 3 submissions from 3 submitters: Likely benign (2). 1 of the submissions does not count toward it. Last evaluated 2024-12-29.

Conditions:
OTOG-related disorder. Also called: OTOG-related condition.

Allele frequency attached by ClinVar (database versions not stated): gnomAD 0.00013 and 0.00011; gnomAD exomes 0.00013; TOPMed 0.00007.
gnomAD v4.1: 51 of 1,550,202 alleles (0.0033%); highest among the groups gnomAD compares: Admixed American, 0.073%; 1 homozygote.

Submissions (3):

Labcorp Genetics (formerly Invitae), Labcorp
Classification: Likely benign. Last evaluated: 2024-12-29. Review status: criteria provided, single submitter. Criteria: Invitae Variant Classification Sherloc (09022015). Collection method: clinical testing. Allele origin: germline.

Laboratory for Molecular Medicine, Mass General Brigham Personalized Medicine
Classification: Likely benign. Last evaluated: 2017-07-05. Review status: criteria provided, single submitter. Criteria: LMM Criteria. Collection method: clinical testing. Allele origin: germline. Observed: 1 variant allele.
Comment: p.Tyr2680Tyr in exon 49 of OTOG: This variant is not expected to have clinical s ignificance because it does not alter an amino acid residue and is not located w ithin the splice consensus sequence. It has been identified in 0.1% (18/23832) o f Latino chromosomes by the Genome Aggregation Database (gnomAD; dbSNP rs892246727).

PreventionGenetics, part of Exact Sciences
Classification: Likely benign for OTOG-related condition. Last evaluated: 2019-07-08. Review status: no assertion criteria provided. Collection method: clinical testing. Allele origin: germline. Not counted in ClinVar's aggregate classification.
Comment: This variant is classified as likely benign based on ACMG/AMP sequence variant interpretation guidelines (Richards et al. 2015 PMID: 25741868, with internal and published modifications).

NM_001292063.2(OTOG):c.8004C>T (p.Tyr2668=)

Gene: OTOG (otogelin; plus strand). Cytogenetic location: 11p15.1.
Variant type: single nucleotide variant.
Coding change: c.8004C>T on transcript NM_001292063.2 (MANE Select); coding-DNA position 8004, C replaced by T.
Protein change: p.Tyr2668=; no amino-acid change (tyrosine 2668 retained).
Molecular consequence: synonymous variant.
Genome position (GRCh38, 1-based): chr11:17,640,813, C>T. VCF-style: chr11-17640813-C-T. GRCh37 (hg19) VCF-style: chr11-17662360-C-T.
Other names: c.8040C>T, p.Tyr2680= (NM_001277269.2).
Identifiers: ClinVar variation 517428 (VCV000517428.12), dbSNP rs892246727, ClinGen allele CA218455879.